The following is an entry in ClinVar:

ClinVar aggregate classification (germline): Likely benign. Review status: criteria provided, multiple submitters, no conflicts (2 of 4 stars). 2 submissions from 2 submitters: Likely benign (2). Last evaluated 2025-07-30.

Allele frequency attached by ClinVar (database versions not stated): gnomAD exomes 0.00019; ExAC 0.00031; TOPMed 0.00058; gnomAD 0.00060; ESP Exome Variant Server 0.00062.
gnomAD v4.1: 356 of 1,518,972 alleles (0.023%); highest among the groups gnomAD compares: African/African-American, 0.16%; 1 homozygote.

Submissions (2):

Labcorp Genetics (formerly Invitae), Labcorp
Classification: Likely benign. Last evaluated: 2025-07-30. Review status: criteria provided, single submitter. Criteria: Invitae Variant Classification Sherloc (09022015). Collection method: clinical testing. Allele origin: germline.

CeGaT Center for Human Genetics Tuebingen
Classification: Likely benign. Last evaluated: 2025-02-01. Review status: criteria provided, single submitter. Criteria: CeGaT Center For Human Genetics Tuebingen Variant Classification Criteria Version 2. Collection method: clinical testing. Allele origin: germline. Affected: yes. Observed: 2 variant alleles.
Comment: LAMA5: BP4

NM_005560.6(LAMA5):c.7512-8C>T

Gene: LAMA5 (laminin subunit alpha 5; minus strand). Cytogenetic location: 20q13.33.
Variant type: single nucleotide variant.
Coding change: c.7512-8C>T on transcript NM_005560.6 (MANE Select); 8 bases into the intron before coding-DNA position 7512, C replaced by T.
Molecular consequence: intron variant.
Genome position (GRCh38, 1-based): chr20:62,317,031, G>A on the plus strand (C>T on the coding strand, the complement: LAMA5 is on the minus strand). VCF-style: chr20-62317031-G-A. GRCh37 (hg19) VCF-style: chr20-60892087-G-A.
Identifiers: ClinVar variation 2085397 (VCV002085397.17), dbSNP rs370912856, ClinGen allele CA9941180.